The following is an entry in ClinVar:

NM_000317.3(PTS):c.164-714C>T

Gene: PTS (6-pyruvoyltetrahydropterin synthase; plus strand). Cytogenetic location: 11q23.1.
Variant type: single nucleotide variant.
Coding change: c.164-714C>T on transcript NM_000317.3 (MANE Select); 714 bases into the intron before coding-DNA position 164, C replaced by T.
Molecular consequence: intron variant.
Genome position (GRCh38, 1-based): chr11:112,229,494, C>T. VCF-style: chr11-112229494-C-T. GRCh37 (hg19) VCF-style: chr11-112100217-C-T.
Identifiers: ClinVar variation 3044039 (VCV003044039.3), dbSNP rs375258981, ClinGen allele CA228598200.
Genomic context (GRCh38, chr11:112,229,494, plus strand): 5'-TTGCCCAGGCTGGAATGGTGTGATCTCCCGTCACTACAACCTCCACCTCCCAGGTTCGAG[C>T]GATTCTCCAGCCTCAGCCTCCCGAGTAGCTGAGATTACAGGCGCCCGCCACTATGCCTGG-3'

ClinVar aggregate classification (germline): Likely benign. Review status: criteria provided, single submitter (1 of 4 stars). 2 submissions from 2 submitters: Likely benign (1). 1 of the submissions does not count toward it. Last evaluated 2022-06-13.

Conditions:
PTS-related disorder. Also called: PTS-related condition.

Allele frequency attached by ClinVar (database versions not stated): 1000 Genomes Project 30x 0.00031; gnomAD 0.00036; TOPMed 0.00039; 1000 Genomes Project 0.00040.

Submissions (2):

Blueprint Genetics
Classification: Likely benign. Last evaluated: 2022-06-13. Review status: criteria provided, single submitter. Criteria: ACMG Guidelines, 2015. Collection method: clinical testing. Allele origin: germline.

PreventionGenetics, part of Exact Sciences
Classification: Likely benign for PTS-related condition. Last evaluated: 2019-06-27. Review status: no assertion criteria provided. Collection method: clinical testing. Allele origin: germline. Not counted in ClinVar's aggregate classification.
Comment: This variant is classified as likely benign based on ACMG/AMP sequence variant interpretation guidelines (Richards et al. 2015 PMID: 25741868, with internal and published modifications).